The following is an entry in ClinVar:

NM_024577.4(SH3TC2):c.1507G>A (p.Glu503Lys)

Gene: SH3TC2 (SH3 domain and tetratricopeptide repeats 2; minus strand). Cytogenetic location: 5q32.
Variant type: single nucleotide variant.
Coding change: c.1507G>A on transcript NM_024577.4 (MANE Select); coding-DNA position 1507, G replaced by A.
Protein change: p.Glu503Lys; replaces glutamic acid 503 with lysine.
Molecular consequence: missense variant.
Genome position (GRCh38, 1-based): chr5:149,028,225, C>T on the plus strand (G>A on the coding strand, the complement: SH3TC2 is on the minus strand). VCF-style: chr5-149028225-C-T. GRCh37 (hg19) VCF-style: chr5-148407788-C-T.
Other names: short protein forms E503K.
Identifiers: ClinVar variation 906543 (VCV000906543.13), dbSNP rs78346510, ClinGen allele CA3499163.
Genomic context (GRCh38, chr5:149,028,225, plus strand): 5'-TGTGGCTCTTCTTGGCCCACTTTCTTGATGCCTCCAGGTAGGCCACAAACTCATCCTCCT[C>T]AGAGAAGCTATAAAAGGAAGAAGTGAGGAAAGAGAAGGAGAAGTCATAGAGACTCTTAAA-3'
Protein context (NP_078853.2, residues 493-513): FLTSSFYSFS[Glu503Lys]EDEFVAYLEA

ClinVar aggregate classification (germline): Conflicting classifications of pathogenicity. Review status: criteria provided, conflicting classifications (1 of 4 stars). 4 submissions from 3 submitters: Uncertain significance (2); Likely benign (2). Last evaluated 2025-08-11.

Conditions:
Susceptibility to mononeuropathy of the median nerve, mild. Also called: CARPAL TUNNEL SYNDROME, SUSCEPTIBILITY TO. Identifiers: MedGen C3150596, MONDO:0013237, OMIM 613353.
Charcot-Marie-Tooth disease type 4. Also called: Charcot-Marie-Tooth disease, type IV; Charcot-Marie-Tooth, Type 4. Identifiers: Orphanet 64749, MedGen C4082197, MONDO:0018995.
Charcot-Marie-Tooth disease type 4C (CMT4C). Also called: CHARCOT-MARIE-TOOTH DISEASE, DEMYELINATING, TYPE 4C; SH3TC2-Related Hereditary Motor and Sensory Neuropathy; Charcot-Marie-Tooth Neuropathy Type 4C (CMT4C); CHARCOT-MARIE-TOOTH DISEASE, DEMYELINATING, AUTOSOMAL RECESSIVE, TYPE 4C; CMT 4C. Identifiers: Orphanet 99949, MedGen C1866636, MONDO:0011113, OMIM 601596.
Inborn genetic diseases. Identifiers: MedGen C0950123, MeSH D030342.

Allele frequency attached by ClinVar (database versions not stated): gnomAD 0.00003; gnomAD exomes 0.00007 and 0.00009; ExAC 0.00012; 1000 Genomes Project 30x 0.00031; 1000 Genomes Project 0.00040.

Submissions (4):

Labcorp Genetics (formerly Invitae), Labcorp
Classification: Likely benign for Charcot-Marie-Tooth disease type 4. Last evaluated: 2025-08-11. Review status: criteria provided, single submitter. Criteria: Invitae Variant Classification Sherloc (09022015). Collection method: clinical testing. Allele origin: germline.

Ambry Genetics
Classification: Uncertain significance for Inborn genetic diseases. Last evaluated: 2022-06-28. Review status: criteria provided, single submitter. Criteria: Ambry Variant Classification Scheme 2023. Collection method: clinical testing. Allele origin: germline.
Comment: The p.E503K variant (also known as c.1507G>A), located in coding exon 11 of the SH3TC2 gene, results from a G to A substitution at nucleotide position 1507. The glutamic acid at codon 503 is replaced by lysine, an amino acid with similar properties. This amino acid position is conserved. In addition, the in silico prediction for this alteration is inconclusive. Since supporting evidence is limited at this time, the clinical significance of this alteration remains unclear.

Illumina Laboratory Services, Illumina
Classification: Uncertain significance for Charcot-Marie-Tooth disease type 4C. Last evaluated: 2018-01-13. Review status: criteria provided, single submitter. Criteria: ICSL Variant Classification Criteria 13 December 2019. Collection method: clinical testing. Allele origin: germline.

Illumina Laboratory Services, Illumina
Classification: Likely benign for Susceptibility to mononeuropathy of the median nerve, mild. Last evaluated: 2018-01-13. Review status: criteria provided, single submitter. Criteria: ICSL Variant Classification Criteria 13 December 2019. Collection method: clinical testing. Allele origin: germline.
Comment: This variant was observed in the ICSL laboratory as part of a predisposition screen in an ostensibly healthy population. It had not been previously curated by ICSL or reported in the Human Gene Mutation Database (HGMD: prior to June 1st, 2018), and was therefore a candidate for classification through an automated scoring system. Utilizing variant allele frequency, disease prevalence and penetrance estimates, and inheritance mode, an automated score was calculated to assess if this variant is too frequent to cause the disease. Based on the score and internal cut-off values, a variant classified as likely benign is not then subjected to further curation. The score for this variant resulted in a classification of likely benign for this disease.